The following is an entry in ClinVar:

ClinVar aggregate classification (germline): Pathogenic (1 of 4 stars; one submission).

Conditions:
Alport syndrome. Also called: Hemorrhagic familial nephritis; Hemorrhagic hereditary nephritis; Congenital hereditary hematuria. Identifiers: Orphanet 63, MedGen C1567741, MONDO:0018965.

Submission:

Myriad Genetics, Inc.
Classification: Pathogenic for Alport syndrome. Last evaluated: 2024-09-22. Review status: criteria provided, single submitter. Criteria: Myriad Autosomal Dominant, Autosomal Recessive and X-Linked Classification Criteria (2023). Collection method: clinical testing. Allele origin: unknown.
Comment: NM_000092.4(COL4A4):c.3400_3403dupGATC(H1135Rfs*56) is expected to be pathogenic in the context of Alport syndrome, COL4A4-related. This variant is predicted to lead to an abnormal or absent protein product due to the creation of a premature termination codon in COL4A4, a gene where loss-of-function variants are known to be pathogenic. Please note: this variant was assessed in the context of healthy population screening.

NM_000092.5(COL4A4):c.3400_3403dup (p.His1135fs)

Gene: COL4A4 (collagen type IV alpha 4 chain; minus strand). Cytogenetic location: 2q36.3.
Variant type: Duplication.
Coding change: c.3400_3403dup on transcript NM_000092.5 (MANE Select); coding-DNA positions 3400 to 3403, 4 bases duplicated (GATC; older notation c.3400_3403dupGATC).
Protein change: p.His1135fs; shifts the reading frame from histidine 1135.
Molecular consequence: frameshift variant.
Genome position (GRCh38, 1-based): chr2:227,042,250-227,042,253, GATC duplicated on the plus strand (GATC on the coding strand, the reverse complement: COL4A4 is on the minus strand). VCF-style (leftmost placement, unchanged base first): chr2-227042249-T-TGATC. GRCh37 (hg19) VCF-style: chr2-227906965-T-TGATC.
Other names: short protein forms H1135fs.
Identifiers: ClinVar variation 5013572 (VCV005013572.1).